The following is an entry in ClinVar:

ClinVar aggregate classification (germline): Conflicting classifications of pathogenicity. Review status: criteria provided, conflicting classifications (1 of 4 stars). 7 submissions from 7 submitters: Uncertain significance (4); Likely benign (2). 1 of the submissions does not count toward it. Last evaluated 2026-02-20.

Conditions:
Hereditary cancer-predisposing syndrome. Also called: Tumor predisposition; Neoplastic Syndromes, Hereditary; Hereditary Cancer Syndrome; Hereditary neoplastic syndrome. Identifiers: Orphanet 140162, MedGen C0027672, MeSH D009386, MONDO:0015356.
Hereditary breast ovarian cancer syndrome. Also called: Hereditary breast and ovarian cancer syndrome (HBOC); Hereditary breast and ovarian cancer syndrome; Hereditary breast and ovarian cancer; Hereditary breast and/or ovarian cancer syndrome; Breast and ovarian cancer; BRCA1- and BRCA2-Associated Hereditary Breast and Ovarian Cancer. Identifiers: Orphanet 145, MedGen C0677776, MeSH D061325, MONDO:0003582. Disease mechanism: loss of function.
Breast-ovarian cancer, familial, susceptibility to, 1 (BROVCA1). Also called: OVARIAN CANCER, SUSCEPTIBILITY TO; BRCA1 Hereditary Breast and Ovarian Cancer. Identifiers: Orphanet 145, MedGen C2676676, MONDO:0011450, OMIM 604370. Disease mechanism: loss of function.

Allele frequency attached by ClinVar (database versions not stated): TOPMed below 0.00001.

Submissions (7):

Myriad Genetics, Inc.
Classification: Likely benign for Breast-ovarian cancer, familial, susceptibility to, 1. Last evaluated: 2026-02-20. Review status: criteria provided, single submitter. Criteria: Myriad Autosomal Dominant, Autosomal Recessive and X-Linked Classification Criteria (2023). Collection method: clinical testing. Allele origin: unknown.
Comment: This variant is considered likely benign. This variant is strongly associated with less severe personal and family histories of cancer, typical for individuals without pathogenic variants in this gene [PMID: 25085752].

Ambry Genetics
Classification: Uncertain significance for Hereditary cancer-predisposing syndrome. Last evaluated: 2025-01-30. Review status: criteria provided, single submitter. Criteria: Ambry Variant Classification Scheme 2023. Collection method: clinical testing. Allele origin: germline.
Comment: The p.F861C variant (also known as c.2582T>G), located in coding exon 9 of the BRCA1 gene, results from a T to G substitution at nucleotide position 2582. The phenylalanine at codon 861 is replaced by cysteine, an amino acid with highly dissimilar properties. This amino acid position is highly conserved in available vertebrate species. In addition, this alteration is predicted to be deleterious by in silico analysis. Based on the available evidence, the clinical significance of this variant remains unclear.

Labcorp Genetics (formerly Invitae), Labcorp
Classification: Uncertain significance for Hereditary breast ovarian cancer syndrome. Last evaluated: 2024-12-11. Review status: criteria provided, single submitter. Criteria: Invitae Variant Classification Sherloc (09022015). Collection method: clinical testing. Allele origin: germline.
Comment: This sequence change replaces phenylalanine, which is neutral and non-polar, with cysteine, which is neutral and slightly polar, at codon 861 of the BRCA1 protein (p.Phe861Cys). This variant is not present in population databases (gnomAD no frequency). This missense change has been observed in individual(s) with breast and/or ovarian cancer (PMID: 16267036). ClinVar contains an entry for this variant (Variation ID: 54608). Invitae Evidence Modeling of protein sequence and biophysical properties (such as structural, functional, and spatial information, amino acid conservation, physicochemical variation, residue mobility, and thermodynamic stability) indicates that this missense variant is expected to disrupt BRCA1 protein function with a positive predictive value of 80%. In summary, the available evidence is currently insufficient to determine the role of this variant in disease. Therefore, it has been classified as a Variant of Uncertain Significance.

Color Diagnostics, LLC DBA Color Health
Classification: Uncertain significance for Hereditary cancer-predisposing syndrome. Last evaluated: 2024-11-18. Review status: criteria provided, single submitter. Criteria: ACMG Guidelines, 2015. Collection method: clinical testing. Allele origin: germline.
Comment: This missense variant replaces phenylalanine with cysteine at codon 861 of the BRCA1 protein. Computational prediction suggests that this variant may have deleterious impact on protein structure and function. To our knowledge, functional studies have not been reported for this variant. A multifactorial analysis has reported a likelihood ratio for pathogenicity based on personal and family history of 0.13 from log(LR)=-0.885704994 from one carrier (PMID: 31853058). This variant has not been identified in the general population by the Genome Aggregation Database (gnomAD). The available evidence is insufficient to determine the role of this variant in disease conclusively. Therefore, this variant is classified as a Variant of Uncertain Significance.

All of Us Research Program, National Institutes of Health
Classification: Uncertain significance for Breast-ovarian cancer, familial, susceptibility to, 1. Last evaluated: 2023-11-30. Review status: criteria provided, single submitter. Criteria: ACMG Guidelines, 2015. Collection method: clinical testing. Allele origin: germline. Inheritance: Autosomal dominant inheritance. Observed: 1 variant allele, 1 heterozygote.
Comment: This study involves interpretation of variants in research participants for the purpose of population health screening. Participant phenotype was not available at the time of variant classification. Additional details can be found in publication PMID: 35346344, PMCID: PMC8962531

University of Washington Department of Laboratory Medicine, University of Washington
Classification: Likely benign for Hereditary cancer-predisposing syndrome. Last evaluated: 2023-03-23. Review status: criteria provided, single submitter. Criteria: Dines et al. (Genet Med. 2020). Collection method: curation. Allele origin: germline.
Comment: Missense variant in a coldspot region where missense variants are very unlikely to be pathogenic (PMID:31911673).

BRCA1 coldspot (exon 11 using historical exon numbering). Reclassification based on statistical prior probability

Breast Cancer Information Core (BIC) (BRCA1)
Classification: Uncertain significance for Breast-ovarian cancer, familial 1. Last evaluated: 2004-02-20. Review status: no assertion criteria provided. Collection method: clinical testing. Allele origin: germline. Affected: yes. Observed: 1 variant allele. Not counted in ClinVar's aggregate classification.

Literature cited by the submitters: PubMed 25085752 (cited by Myriad Genetics, Inc.); PubMed 15235020 (cited by Ambry Genetics); PubMed 16267036 (cited by Labcorp Genetics (formerly Invitae), Labcorp); PubMed 31853058 (cited by Color Diagnostics, LLC DBA Color Health).

NM_007294.4(BRCA1):c.2582T>G (p.Phe861Cys)

Gene: BRCA1 (BRCA1 DNA repair associated; minus strand). Cytogenetic location: 17q21.31.
Variant type: single nucleotide variant.
Coding change: c.2582T>G on transcript NM_007294.4 (MANE Select); coding-DNA position 2582, T replaced by G.
Protein change: p.Phe861Cys; replaces phenylalanine 861 with cysteine.
Molecular consequence: missense variant. On other transcripts: intron variant (137).
Genome position (GRCh38, 1-based): chr17:43,092,949, A>C on the plus strand (T>G on the coding strand, the complement: BRCA1 is on the minus strand). VCF-style: chr17-43092949-A-C. GRCh37 (hg19) VCF-style: chr17-41244966-A-C.
Other names: c.2369T>G, p.Phe790Cys (NM_001407571.1, NM_001407853.1, NM_001407894.1 and 9 more transcripts); c.2582T>G, p.Phe861Cys (NM_001407581.1, NM_001407582.1, NM_001407583.1 and 30 more transcripts); c.2579T>G, p.Phe860Cys (NM_001407587.1, NM_001407590.1, NM_001407591.1 and 22 more transcripts); c.2573T>G, p.Phe858Cys (NM_001407646.1, NM_001407647.1); c.2459T>G, p.Phe820Cys (NM_001407648.1, NM_001407664.1, NM_001407665.1 and 19 more transcripts); c.2456T>G, p.Phe819Cys (NM_001407649.1, NM_001407670.1, NM_001407671.1 and 11 more transcripts); c.2504T>G, p.Phe835Cys (NM_001407653.1, NM_001407654.1, NM_001407655.1 and 4 more transcripts); c.2501T>G, p.Phe834Cys (NM_001407659.1, NM_001407660.1, NM_001407661.1 and 1 more transcripts); and 41 more; short protein forms F861C, F814C, F733C, F813C, F860C, F750C, F835C, F858C.
Identifiers: ClinVar variation 54608 (VCV000054608.15), dbSNP rs80357098, ClinGen allele CA001698.
Genomic context (GRCh38, chr17:43,092,949, plus strand): 5'-TCCTCTTCTGCATTTCCTGGATTTGAAAACGGAGCAAATGACTGGCGCTTTGAAACCTTG[A>C]ATGTATTCTGCAAATACTGAGCATCAAGTTCACTTTCTTCCATTTCTATGCTTGTTTCCC-3'
Protein context (NP_009225.1, residues 851-871): ELDAQYLQNT[Phe861Cys]KVSKRQSFAP